The following is an entry in ClinVar:

NM_001101426.4(CRPPA):c.1054C>A (p.Gln352Lys)

Genes: CRPPA-AS1 (CRPPA antisense RNA 1; plus strand), CRPPA (CDP-L-ribitol pyrophosphorylase A; minus strand). Cytogenetic location: 7p21.2.
Variant type: single nucleotide variant.
Coding change: c.1054C>A on transcript NM_001101426.4 (MANE Select); coding-DNA position 1054, C replaced by A.
Protein change: p.Gln352Lys; replaces glutamine 352 with lysine.
Molecular consequence: missense variant. On other transcripts: non-coding transcript variant (1).
Genome position (GRCh38, 1-based): chr7:16,258,455, G>T on the plus strand (C>A on the coding strand, the complement: CRPPA is on the minus strand). VCF-style: chr7-16258455-G-T. GRCh37 (hg19) VCF-style: chr7-16298080-G-T.
Other names: p.Gln352Lys; c.904C>A, p.Gln302Lys (NM_001101417.4); c.949C>A, p.Gln317Lys (NM_001368197.1); short protein forms Q352K, Q302K, Q317K.
Identifiers: ClinVar variation 198766 (VCV000198766.65), dbSNP rs185594460, ClinGen allele CA247577.

ClinVar aggregate classification (germline): Conflicting classifications of pathogenicity. Review status: criteria provided, conflicting classifications (1 of 4 stars). 9 submissions from 9 submitters: Uncertain significance (1); Benign (1); Likely benign (7). Last evaluated 2026-09-01.

Conditions:
Congenital Muscular Dystrophy, alpha-dystroglycan related.
Muscular dystrophy-dystroglycanopathy (congenital with brain and eye anomalies), type A, 7. Also called: WALKER-WARBURG SYNDROME OR MUSCLE-EYE-BRAIN DISEASE, ISPD-RELATED; Congenital muscular dystrophy-dystroglycanopathy with brain and eye anomalies, type A7. Identifiers: Orphanet 899, MedGen C3553330, MONDO:0013835, OMIM 614643.
Autosomal recessive limb-girdle muscular dystrophy type 2U. Also called: MUSCULAR DYSTROPHY, LIMB-GIRDLE, TYPE 2U; Muscular dystrophy-dystroglycanopathy (limb-girdle), type c, 7. Identifiers: Orphanet 352479, MedGen C5190987, MONDO:0014474, OMIM 616052.

Allele frequency attached by ClinVar (database versions not stated): 1000 Genomes Project 30x 0.00016; 1000 Genomes Project 0.00020; gnomAD 0.00127 and 0.00151; gnomAD exomes 0.00137 and 0.00247; TOPMed 0.00139; ESP Exome Variant Server 0.00179; ExAC 0.00262.
gnomAD v4.1: 3,737 of 1,603,468 alleles (0.23%); highest among the groups gnomAD compares: Non-Finnish European, 0.3%; 9 homozygotes.

Submissions (9):

CeGaT Center for Human Genetics Tuebingen
Classification: Likely benign. Last evaluated: 2026-09-01. Review status: criteria provided, single submitter. Criteria: CeGaT Center For Human Genetics Tuebingen Variant Classification Criteria Version 2. Collection method: clinical testing. Allele origin: germline. Affected: yes. Observed: 4 variant alleles.
Comment: CRPPA: BP4

Labcorp Genetics (formerly Invitae), Labcorp
Classification: Likely benign for Muscular dystrophy-dystroglycanopathy (congenital with brain and eye anomalies), type A, 7; Autosomal recessive limb-girdle muscular dystrophy type 2U. Last evaluated: 2026-02-01. Review status: criteria provided, single submitter. Criteria: Invitae Variant Classification Sherloc (09022015). Collection method: clinical testing. Allele origin: germline.

Blueprint Genetics
Classification: Likely benign. Last evaluated: 2024-11-27. Review status: criteria provided, single submitter. Criteria: ACMG Guidelines, 2015. Collection method: clinical testing. Allele origin: germline.

Mayo Clinic Laboratories, Mayo Clinic
Classification: Benign. Last evaluated: 2023-12-08. Review status: criteria provided, single submitter. Criteria: ACMG Guidelines, 2015. Collection method: clinical testing. Allele origin: germline. Observed: 2 variant alleles.
Comment: BS1, BS2, BP4

GeneDx
Classification: Likely benign. Last evaluated: 2021-05-18. Review status: criteria provided, single submitter. Criteria: GeneDx Variant Classification Process June 2021. Collection method: clinical testing. Allele origin: germline. Affected: yes.

Athena Diagnostics
Classification: Likely benign. Last evaluated: 2020-03-17. Review status: criteria provided, single submitter. Criteria: Athena Diagnostics Criteria. Collection method: clinical testing. Allele origin: unknown.

Illumina Laboratory Services, Illumina
Classification: Uncertain significance for Congenital Muscular Dystrophy, alpha-dystroglycan related. Last evaluated: 2018-01-12. Review status: criteria provided, single submitter. Criteria: ICSL Variant Classification Criteria 13 December 2019. Collection method: clinical testing. Allele origin: germline.

Eurofins Ntd Llc (ga)
Classification: Likely benign. Last evaluated: 2016-06-23. Review status: criteria provided, single submitter. Criteria: EGL Classification Definitions 2015. Collection method: clinical testing. Allele origin: germline. Observed: 14 variant alleles, 14 heterozygotes.

PreventionGenetics, part of Exact Sciences
Classification: Likely benign. Review status: criteria provided, single submitter. Criteria: ACMG Guidelines, 2015. Collection method: clinical testing. Allele origin: germline.